The following is an entry in ClinVar:

ClinVar aggregate classification (germline): Uncertain significance. Review status: criteria provided, multiple submitters, no conflicts (2 of 4 stars). 2 submissions from 2 submitters: Uncertain significance (2). Last evaluated 2024-04-02.

Conditions:
Axenfeld-Rieger syndrome type 3 (RIEG3). Also called: AXENFELD-RIEGER ANOMALY WITH CARDIAC DEFECTS AND/OR SENSORINEURAL HEARING LOSS. Identifiers: Orphanet 782, MedGen C2678503, MONDO:0011233, OMIM 602482.

Allele frequency attached by ClinVar (database versions not stated): gnomAD exomes below 0.00001.

Submissions (2):

Labcorp Genetics (formerly Invitae), Labcorp
Classification: Uncertain significance for Axenfeld-Rieger syndrome type 3. Last evaluated: 2024-04-02. Review status: criteria provided, single submitter. Criteria: Invitae Variant Classification Sherloc (09022015). Collection method: clinical testing. Allele origin: germline.
Comment: This sequence change replaces proline, which is neutral and non-polar, with serine, which is neutral and polar, at codon 50 of the FOXC1 protein (p.Pro50Ser). The frequency data for this variant in the population databases is considered unreliable, as metrics indicate poor data quality at this position in the gnomAD database. This variant has not been reported in the literature in individuals affected with FOXC1-related conditions. ClinVar contains an entry for this variant (Variation ID: 2161709). An algorithm developed to predict the effect of missense changes on protein structure and function (PolyPhen-2) suggests that this variant is likely to be tolerated. In summary, the available evidence is currently insufficient to determine the role of this variant in disease. Therefore, it has been classified as a Variant of Uncertain Significance.

Mayo Clinic Laboratories, Mayo Clinic
Classification: Uncertain significance. Last evaluated: 2022-10-12. Review status: criteria provided, single submitter. Criteria: ACMG Guidelines, 2015. Collection method: clinical testing. Allele origin: germline. Observed: 1 variant allele.
Comment: BP4

NM_001453.3(FOXC1):c.148C>T (p.Pro50Ser)

Gene: FOXC1 (forkhead box C1; plus strand). Cytogenetic location: 6p25.3.
Variant type: single nucleotide variant.
Coding change: c.148C>T on transcript NM_001453.3 (MANE Select); coding-DNA position 148, C replaced by T.
Protein change: p.Pro50Ser; replaces proline 50 with serine.
Molecular consequence: missense variant.
Genome position (GRCh38, 1-based): chr6:1,610,593, C>T. VCF-style: chr6-1610593-C-T. GRCh37 (hg19) VCF-style: chr6-1610828-C-T.
Other names: p.Pro50Ser; c.148C>T (NM_001453.2); short protein forms P50S.
Identifiers: ClinVar variation 2161709 (VCV002161709.5), dbSNP rs1451752406, ClinGen allele CA362558182.